The following is an entry in ClinVar:

NM_031935.3(HMCN1):c.59T>C (p.Leu20Pro)

Gene: HMCN1 (hemicentin 1; plus strand). Cytogenetic location: 1q25.3.
Variant type: single nucleotide variant.
Coding change: c.59T>C on transcript NM_031935.3 (MANE Select); coding-DNA position 59, T replaced by C.
Protein change: p.Leu20Pro; replaces leucine 20 with proline.
Molecular consequence: missense variant.
Genome position (GRCh38, 1-based): chr1:185,734,838, T>C. VCF-style: chr1-185734838-T-C. GRCh37 (hg19) VCF-style: chr1-185703970-T-C.
Other names: short protein forms L20P.
Identifiers: ClinVar variation 1721261 (VCV001721261.5), dbSNP rs2526220326, ClinGen allele CA344057982.

ClinVar aggregate classification (germline): Uncertain significance (1 of 4 stars; one submission).

Submission:

Labcorp Genetics (formerly Invitae), Labcorp
Classification: Uncertain significance. Last evaluated: 2022-11-08. Review status: criteria provided, single submitter. Criteria: Invitae Variant Classification Sherloc (09022015). Collection method: clinical testing. Allele origin: germline.
Comment: This sequence change replaces leucine, which is neutral and non-polar, with proline, which is neutral and non-polar, at codon 20 of the HMCN1 protein (p.Leu20Pro). In summary, the available evidence is currently insufficient to determine the role of this variant in disease. Therefore, it has been classified as a Variant of Uncertain Significance. Algorithms developed to predict the effect of missense changes on protein structure and function (SIFT, PolyPhen-2, Align-GVGD) all suggest that this variant is likely to be tolerated. This variant has not been reported in the literature in individuals affected with HMCN1-related conditions. This variant is not present in population databases (gnomAD no frequency).